The following is an entry in ClinVar:

NM_000020.3(ACVRL1):c.1184G>A (p.Trp395Ter)

Gene: ACVRL1 (activin A receptor like type 1; plus strand). Cytogenetic location: 12q13.13.
Variant type: single nucleotide variant.
Coding change: c.1184G>A on transcript NM_000020.3 (MANE Select); coding-DNA position 1184, G replaced by A.
Protein change: p.Trp395Ter; replaces tryptophan 395 with a stop codon.
Molecular consequence: nonsense. On other transcripts: intron variant (1).
Genome position (GRCh38, 1-based): chr12:51,916,171, G>A. VCF-style: chr12-51916171-G-A. GRCh37 (hg19) VCF-style: chr12-52309955-G-A.
Other names: c.1184G>A, p.Trp395Ter (NM_001077401.2, NM_001406487.1, NM_001406488.1 and 1 more transcripts); c.872G>A, p.Trp291Ter (NM_001406490.1, NM_001406491.1, NM_001406492.1 and 1 more transcripts); c.620G>A, p.Trp207Ter (NM_001406495.1); c.736+671G>A (NM_001406494.1); short protein forms W207*, W291*, W395*.
Identifiers: ClinVar variation 4813218 (VCV004813218.1).

ClinVar aggregate classification (germline): Pathogenic (1 of 4 stars; one submission).

Conditions:
Hereditary hemorrhagic telangiectasia (HHT). Also called: ORW DISEASE; Osler Weber Rendu syndrome; OSLER-RENDU-WEBER DISEASE; Osler hemorrhagic telangiectasia syndrome. Identifiers: Orphanet 774, MedGen C0039445, MONDO:0019180. Disease mechanism: loss of function.

Submission:

Clinical Genetics Laboratory, Skane University Hospital Lund
Classification: Pathogenic for Hereditary hemorrhagic telangiectasia. Last evaluated: 2026-02-25. Review status: criteria provided, single submitter. Criteria: ACMG Guidelines, 2015. Collection method: clinical testing. Allele origin: germline. Affected: yes.
Comment: Gene-specific criteria according to ClinGen Hereditary Hemorrhagic Telangiectasia Expert Panel Specifications to the ACMG/AMP Variant Interpretation Guidelines for ACVRL1 Version 1.1.0: PVS1, PM2_supporting, PP4_moderate